The following is an entry in ClinVar:

ClinVar aggregate classification (germline): Uncertain significance (1 of 4 stars; one submission).

Conditions:
Giant axonal neuropathy 1 (GAN1). Also called: GIANT AXONAL NEUROPATHY 1, AUTOSOMAL RECESSIVE; GAN-Related Neurodegeneration. Identifiers: Orphanet 643, MedGen C1850386, MONDO:0009749, OMIM 256850.

gnomAD v4.1: 1 of 1,613,516 alleles (0.000062%); highest among the groups gnomAD compares: Non-Finnish European, 0.000085%; no homozygotes.

Submission:

Labcorp Genetics (formerly Invitae), Labcorp
Classification: Uncertain significance for Giant axonal neuropathy 1. Last evaluated: 2021-03-01. Review status: criteria provided, single submitter. Criteria: Invitae Variant Classification Sherloc (09022015). Collection method: clinical testing. Allele origin: germline.
Comment: This sequence change replaces threonine with isoleucine at codon 400 of the GAN protein (p.Thr400Ile). The threonine residue is moderately conserved and there is a moderate physicochemical difference between threonine and isoleucine. This variant is present in population databases (rs368571975, ExAC 0.001%). This variant has not been reported in the literature in individuals with GAN-related conditions. Algorithms developed to predict the effect of missense changes on protein structure and function (SIFT, PolyPhen-2, Align-GVGD) all suggest that this variant is likely to be tolerated, but these predictions have not been confirmed by published functional studies and their clinical significance is uncertain. In summary, the available evidence is currently insufficient to determine the role of this variant in disease. Therefore, it has been classified as a Variant of Uncertain Significance.

NM_022041.4(GAN):c.1199C>T (p.Thr400Ile)

Gene: GAN (gigaxonin; plus strand). Cytogenetic location: 16q23.2.
Variant type: single nucleotide variant.
Coding change: c.1199C>T on transcript NM_022041.4 (MANE Select); coding-DNA position 1199, C replaced by T.
Protein change: p.Thr400Ile; replaces threonine 400 with isoleucine.
Molecular consequence: missense variant.
Genome position (GRCh38, 1-based): chr16:81,363,906, C>T. VCF-style: chr16-81363906-C-T. GRCh37 (hg19) VCF-style: chr16-81397511-C-T.
Other names: c.560C>T, p.Thr187Ile (NM_001377486.1); short protein forms T187I, T400I.
Identifiers: ClinVar variation 1445208 (VCV001445208.8), dbSNP rs368571975, ClinGen allele CA8191645.